The following is an entry in ClinVar:

NM_000057.4(BLM):c.1805C>A (p.Ser602Ter)

Gene: BLM (BLM RecQ like helicase; plus strand). Cytogenetic location: 15q26.1.
Variant type: single nucleotide variant.
Coding change: c.1805C>A on transcript NM_000057.4 (MANE Select); coding-DNA position 1805, C replaced by A.
Protein change: p.Ser602Ter; replaces serine 602 with a stop codon.
Molecular consequence: nonsense.
Genome position (GRCh38, 1-based): chr15:90,761,178, C>A. VCF-style: chr15-90761178-C-A. GRCh37 (hg19) VCF-style: chr15-91304408-C-A.
Other names: c.1805C>A, p.Ser602Ter (NM_001287246.2, NM_001287247.2); c.680C>A, p.Ser227Ter (NM_001287248.2); short protein forms S227*, S602*.
Identifiers: ClinVar variation 2835809 (VCV002835809.3), dbSNP rs2151159026, ClinGen allele CA393843878.

ClinVar aggregate classification (germline): Pathogenic (1 of 4 stars; one submission).

Conditions:
Bloom syndrome (BLM). Also called: Bloom-Torre-Machacek syndrome. Identifiers: Orphanet 125, MedGen C0005859, MONDO:0008876, OMIM 210900.

Submission:

Labcorp Genetics (formerly Invitae), Labcorp
Classification: Pathogenic for Bloom syndrome. Last evaluated: 2023-02-10. Review status: criteria provided, single submitter. Criteria: Invitae Variant Classification Sherloc (09022015). Collection method: clinical testing. Allele origin: germline.
Comment: This sequence change creates a premature translational stop signal (p.Ser602*) in the BLM gene. It is expected to result in an absent or disrupted protein product. Loss-of-function variants in BLM are known to be pathogenic (PMID: 17407155). This variant is not present in population databases (gnomAD no frequency). This variant has not been reported in the literature in individuals affected with BLM-related conditions. For these reasons, this variant has been classified as Pathogenic.

Literature cited by the submitters: PubMed 17407155.